The following is an entry in ClinVar:

NM_002693.3(POLG):c.58C>T (p.Pro20Ser)

Genes: POLG (DNA polymerase gamma, catalytic subunit; minus strand), POLGARF (POLG alternative reading frame; minus strand). Cytogenetic location: 15q26.1.
Variant type: single nucleotide variant.
Coding change: c.58C>T on transcript NM_002693.3 (MANE Select); coding-DNA position 58, C replaced by T.
Protein change: p.Pro20Ser; replaces proline 20 with serine.
Molecular consequence: missense variant.
Genome position (GRCh38, 1-based): chr15:89,333,697, G>A on the plus strand (C>T on the coding strand, the complement: POLG is on the minus strand). VCF-style: chr15-89333697-G-A. GRCh37 (hg19) VCF-style: chr15-89876928-G-A.
Other names: c.58C>T, p.Pro20Ser (NM_001126131.2); short protein forms P20S.
Identifiers: ClinVar variation 1063425 (VCV001063425.9), dbSNP rs1596362883, ClinGen allele CA393775048.

ClinVar aggregate classification (germline): Uncertain significance (1 of 4 stars; one submission).

Conditions:
Progressive sclerosing poliodystrophy (MTDPS4A). Also called: NEURONAL DEGENERATION OF CHILDHOOD WITH LIVER DISEASE, PROGRESSIVE; Alpers-Huttenlocher Syndrome (AHS); ALPERS PROGRESSIVE INFANTILE POLIODYSTROPHY; Mitochondrial DNA Depletion Syndrome 4A; Alpers Syndrome; ALPERS DIFFUSE DEGENERATION OF CEREBRAL GRAY MATTER WITH HEPATIC CIRRHOSIS. Identifiers: Orphanet 726, MedGen C0205710, MONDO:0008758, OMIM 203700.

Submission:

Labcorp Genetics (formerly Invitae), Labcorp
Classification: Uncertain significance for Progressive sclerosing poliodystrophy. Last evaluated: 2018-05-23. Review status: criteria provided, single submitter. Criteria: Invitae Variant Classification Sherloc (09022015). Collection method: clinical testing. Allele origin: germline.
Comment: In summary, the available evidence is currently insufficient to determine the role of this variant in disease. Therefore, it has been classified as a Variant of Uncertain Significance. Algorithms developed to predict the effect of missense changes on protein structure and function (SIFT, PolyPhen-2, Align-GVGD) all suggest that this variant is likely to be tolerated, but these predictions have not been confirmed by published functional studies and their clinical significance is uncertain. This variant has not been reported in the literature in individuals with POLG-related disease. While this variant is not present in population databases, the frequency information is unreliable, as metrics indicate poor data quality at this position in the ExAC database. This sequence change replaces proline with serine at codon 20 of the POLG protein (p.Pro20Ser). The proline residue is moderately conserved and there is a moderate physicochemical difference between proline and serine.